The following is an entry in ClinVar:

NM_000875.5(IGF1R):c.*3653C>A

Gene: IGF1R (insulin like growth factor 1 receptor; plus strand). Cytogenetic location: 15q26.3.
Variant type: single nucleotide variant.
Coding change: c.*3653C>A on transcript NM_000875.5 (MANE Select); 3653 bases downstream of the stop codon, C replaced by A.
Molecular consequence: 3 prime UTR variant.
Genome position (GRCh38, 1-based): chr15:98,961,095, C>A. VCF-style: chr15-98961095-C-A. GRCh37 (hg19) VCF-style: chr15-99504324-C-A.
Other names: c.*3653C>A (NM_001291858.2).
Identifiers: ClinVar variation 885185 (VCV000885185.4), dbSNP rs142786518, ClinGen allele CA275337896.

ClinVar aggregate classification (germline): Likely benign (1 of 4 stars; one submission).

Conditions:
Growth delay due to insulin-like growth factor I resistance. Also called: Insulin-Like Growth Factor I Resistance; Somatomedin end-organ insensitivity to; Somatomedin-c resistance to; IGF-1 resistance; IGF-I RESISTANCE. Identifiers: Orphanet 73273, MedGen C1849157, MONDO:0010038, OMIM 270450.

Allele frequency attached by ClinVar (database versions not stated): gnomAD exomes 0.00066; TOPMed 0.00374; 1000 Genomes Project 0.00399; 1000 Genomes Project 30x 0.00437.
gnomAD v4.1: 548 of 233,576 alleles (0.23%); highest among the groups gnomAD compares: African/African-American, 1.1%; 5 homozygotes.

Submission:

Illumina Laboratory Services, Illumina
Classification: Likely benign for Growth delay due to insulin-like growth factor I resistance. Last evaluated: 2018-01-13. Review status: criteria provided, single submitter. Criteria: ICSL Variant Classification Criteria 13 December 2019. Collection method: clinical testing. Allele origin: germline.
Comment: This variant was observed in the ICSL laboratory as part of a predisposition screen in an ostensibly healthy population. It had not been previously curated by ICSL or reported in the Human Gene Mutation Database (HGMD: prior to June 1st, 2018), and was therefore a candidate for classification through an automated scoring system. Utilizing variant allele frequency, disease prevalence and penetrance estimates, and inheritance mode, an automated score was calculated to assess if this variant is too frequent to cause the disease. Based on the score and internal cut-off values, a variant classified as likely benign is not then subjected to further curation. The score for this variant resulted in a classification of likely benign for this disease.